The following is an entry in ClinVar:

ClinVar aggregate classification (germline): Likely pathogenic. Review status: criteria provided, multiple submitters, no conflicts (2 of 4 stars). 2 submissions from 2 submitters: Likely pathogenic (2). Last evaluated 2024-03-11.

Conditions:
Autosomal recessive multiple pterygium syndrome. Also called: MULTIPLE PTERYGIUM SYNDROME, ESCOBAR VARIANT; PTERYGIUM COLLI SYNDROME; PTERYGIUM SYNDROME; PTERYGIUM UNIVERSALE. Identifiers: Orphanet 2990, MedGen C0265261, MONDO:0009926, OMIM 265000.
Lethal multiple pterygium syndrome (LMPS). Identifiers: Orphanet 33108, MedGen C1854678, MONDO:0009668, OMIM 253290.

gnomAD v4.1: 1 of 1,614,176 alleles (0.000062%); highest among the groups gnomAD compares: Non-Finnish European, 0.000085%; no homozygotes.

Submissions (2):

Fulgent Genetics
Classification: Likely pathogenic for Lethal multiple pterygium syndrome; Autosomal recessive multiple pterygium syndrome. Last evaluated: 2024-03-11. Review status: criteria provided, single submitter. Criteria: ACMG Guidelines, 2015. Collection method: clinical testing. Allele origin: germline.

Molecular Genetics Department, Kulakov National Medical Research Center for Obstetrics, Gynecology and Perinatology
Classification: Likely pathogenic for Lethal multiple pterygium syndrome; Autosomal recessive multiple pterygium syndrome. Review status: criteria provided, single submitter. Criteria: ACMG Guidelines, 2015. Collection method: clinical testing. Allele origin: germline. Affected: yes. Observed: 1 variant allele.
Comment: A previously undescribed heterozygous nucleotide variant creates a premature translation stop signal p.Lys56Ter in the CHRNG gene. Homozygous and compound heterozygous variants are reported in patients with escobar syndrome, 265000; Multiple pterygium syndrome, lethal type, 253290. The variant is not present in population database (gnomAD no frequency). In summary, the currently available evidence indicates that the variant is pathogenic, but additional data are needed to prove that conclusively. Therefore, this variant has been classified as likely pathogenic.

NM_005199.5(CHRNG):c.166A>T (p.Lys56Ter)

Gene: CHRNG (cholinergic receptor nicotinic gamma subunit; plus strand). Cytogenetic location: 2q37.1.
Variant type: single nucleotide variant.
Coding change: c.166A>T on transcript NM_005199.5 (MANE Select); coding-DNA position 166, A replaced by T.
Protein change: p.Lys56Ter; replaces lysine 56 with a stop codon.
Molecular consequence: nonsense.
Genome position (GRCh38, 1-based): chr2:232,540,102, A>T. VCF-style: chr2-232540102-A-T. GRCh37 (hg19) VCF-style: chr2-233404812-A-T.
Other names: short protein forms K56*.
Identifiers: ClinVar variation 3586172 (VCV003586172.2).